The following is an entry in ClinVar:

NM_004320.6(ATP2A1):c.329G>T (p.Arg110Leu)

Gene: ATP2A1 (ATPase sarcoplasmic/endoplasmic reticulum Ca2+ transporting 1; plus strand). Cytogenetic location: 16p11.2.
Variant type: single nucleotide variant.
Coding change: c.329G>T on transcript NM_004320.6 (MANE Select); coding-DNA position 329, G replaced by T.
Protein change: p.Arg110Leu; replaces arginine 110 with leucine.
Molecular consequence: missense variant. On other transcripts: 5 prime UTR variant (1).
Genome position (GRCh38, 1-based): chr16:28,882,455, G>T. VCF-style: chr16-28882455-G-T. GRCh37 (hg19) VCF-style: chr16-28893776-G-T.
Other names: c.-47G>T (NM_001286075.2); c.329G>T, p.Arg110Leu (NM_173201.5); short protein forms R110L.
Identifiers: ClinVar variation 2164320 (VCV002164320.1), dbSNP rs768820110, ClinGen allele CA7986626.

ClinVar aggregate classification (germline): Uncertain significance (1 of 4 stars; one submission).

Conditions:
Brody myopathy. Also called: BRODY DISEASE. Identifiers: Orphanet 53347, MedGen C1832918, MONDO:0010977, OMIM 601003.

gnomAD v4.1: 4 of 1,614,148 alleles (0.00025%); highest among the groups gnomAD compares: Admixed American, 0.0067%; no homozygotes.

Submission:

Labcorp Genetics (formerly Invitae), Labcorp
Classification: Uncertain significance for Brody myopathy. Last evaluated: 2022-06-02. Review status: criteria provided, single submitter. Criteria: Invitae Variant Classification Sherloc (09022015). Collection method: clinical testing. Allele origin: germline.
Comment: This sequence change replaces arginine, which is basic and polar, with leucine, which is neutral and non-polar, at codon 110 of the ATP2A1 protein (p.Arg110Leu). This variant is present in population databases (rs768820110, gnomAD 0.009%). This variant has not been reported in the literature in individuals affected with ATP2A1-related conditions. Algorithms developed to predict the effect of missense changes on protein structure and function are either unavailable or do not agree on the potential impact of this missense change (SIFT: "Deleterious"; PolyPhen-2: "Benign"; Align-GVGD: "Class C0"). In summary, the available evidence is currently insufficient to determine the role of this variant in disease. Therefore, it has been classified as a Variant of Uncertain Significance.